The following is an entry in ClinVar:

NM_001267550.2(TTN):c.105810dup (p.Pro35271fs)

Genes: TTN (titin; minus strand), TTN-AS1 (TTN antisense RNA 1; plus strand), LOC129935183 (ATAC-STARR-seq lymphoblastoid active region 16808; plus strand). Cytogenetic location: 2q31.2.
Variant type: Duplication.
Coding change: c.105810dup on transcript NM_001267550.2 (MANE Select); coding-DNA position 105810, one base duplicated (A; older notation c.105810dupA).
Protein change: p.Pro35271fs; shifts the reading frame from proline 35271.
Molecular consequence: frameshift variant.
Genome position (GRCh38, 1-based): chr2:178,530,805, T duplicated on the plus strand (A on the coding strand, the reverse complement: TTN is on the minus strand); the first of 4 consecutive T bases (chr2:178,530,805-178,530,808); duplicating any one gives the same sequence. VCF-style (leftmost placement, unchanged base first): chr2-178530804-G-GT. GRCh37 (hg19) VCF-style: chr2-179395531-G-GT.
Other names: c.100887dup, p.Pro33630fs (NM_001256850.1); c.78615dup, p.Pro26206fs (NM_003319.4); c.98106dup, p.Pro32703fs (NM_133378.4); c.78990dup, p.Pro26331fs (NM_133432.3); c.79191dup, p.Pro26398fs (NM_133437.4); short protein forms P32703fs, P35271fs, P33630fs, P26206fs, P26331fs, P26398fs.
Identifiers: ClinVar variation 425239 (VCV000425239.9), dbSNP rs1553484602, ClinGen allele CA16621776.
Genomic context (GRCh38, chr2:178,530,804, plus strand): 5'-ACTGAGTAATCTTTGGTGGGGCAGAGACTGGGAGGTGCTGAACTTTCTCTGTTGGTGTTG[G>GT]TTTTGTCTCTGTGGGTGATACGGCTTTCGGGTGAGAAGGTTCTGGAGATTTCACTCGTTT-3'

ClinVar aggregate classification (germline): Likely pathogenic. Review status: criteria provided, multiple submitters, no conflicts (2 of 4 stars). 2 submissions from 2 submitters: Likely pathogenic (2). Last evaluated 2024-09-26.

Conditions:
Dilated cardiomyopathy 1G (CMD1G). Identifiers: Orphanet 154, MedGen C1858763, MONDO:0011400, OMIM 604145.
Autosomal recessive limb-girdle muscular dystrophy type 2J (LGMDR10). Also called: MUSCULAR DYSTROPHY, LIMB-GIRDLE, AUTOSOMAL RECESSIVE 10; Limb-girdle muscular dystrophy, type 2J. Identifiers: Orphanet 140922, MedGen C1837342, MONDO:0012127, OMIM 608807.

Submissions (2):

Labcorp Genetics (formerly Invitae), Labcorp
Classification: Likely pathogenic for Dilated cardiomyopathy 1G; Autosomal recessive limb-girdle muscular dystrophy type 2J. Last evaluated: 2024-09-26. Review status: criteria provided, single submitter. Criteria: Invitae Variant Classification Sherloc (09022015). Collection method: clinical testing. Allele origin: germline.
Comment: This sequence change creates a premature translational stop signal (p.Pro35271Thrfs*28) in the TTN gene. While this is not anticipated to result in nonsense mediated decay, it is expected to create a truncated TTN protein. This variant is not present in population databases (gnomAD no frequency). This variant has not been reported in the literature in individuals affected with TTN-related conditions. ClinVar contains an entry for this variant (Variation ID: 425239). This variant is located in the M band of TTN (PMID: 25589632). Truncating variants in this region have been previously reported in individuals affected with autosomal recessive myopathy and muscular dystrophy (PMID: 18948003, 23975875, 24395473). Truncating variants in this region have also been identified in individuals affected with autosomal dominant dilated cardiomyopathy and/or cardio-related conditions (PMID: 27869827, 32964742, internal data). In summary, the currently available evidence indicates that the variant is pathogenic, but additional data are needed to prove that conclusively. Therefore, this variant has been classified as Likely Pathogenic.

CeGaT Center for Human Genetics Tuebingen
Classification: Likely pathogenic. Last evaluated: 2016-12-31. Review status: criteria provided, single submitter. Criteria: Praxis fuer Humangenetik Tuebingen - Variant Classification Criteria. Collection method: clinical testing. Allele origin: germline. Affected: yes. Observed: 1 variant allele.

Literature cited by the submitters: PubMed 25589632 (cited by Labcorp Genetics (formerly Invitae), Labcorp); PubMed 18948003 (cited by Labcorp Genetics (formerly Invitae), Labcorp); PubMed 23975875 (cited by Labcorp Genetics (formerly Invitae), Labcorp); PubMed 24395473 (cited by Labcorp Genetics (formerly Invitae), Labcorp); PubMed 27869827 (cited by Labcorp Genetics (formerly Invitae), Labcorp); PubMed 32964742 (cited by Labcorp Genetics (formerly Invitae), Labcorp).